The following is an entry in ClinVar:

NM_005419.4(STAT2):c.1061A>G (p.Asn354Ser)

Gene: STAT2 (signal transducer and activator of transcription 2; minus strand). Cytogenetic location: 12q13.3.
Variant type: single nucleotide variant.
Coding change: c.1061A>G on transcript NM_005419.4 (MANE Select); coding-DNA position 1061, A replaced by G.
Protein change: p.Asn354Ser; replaces asparagine 354 with serine.
Molecular consequence: missense variant.
Genome position (GRCh38, 1-based): chr12:56,350,862, T>C on the plus strand (A>G on the coding strand, the complement: STAT2 is on the minus strand). VCF-style: chr12-56350862-T-C. GRCh37 (hg19) VCF-style: chr12-56744646-T-C.
Other names: c.1049A>G, p.Asn350Ser (NM_198332.2); short protein forms N350S, N354S.
Identifiers: ClinVar variation 854610 (VCV000854610.10), dbSNP rs1432107994, ClinGen allele CA385261895.
Genomic context (GRCh38, chr12:56,350,862, plus strand): 5'-GGCCACCCTTCACCTGCTCCAATTTACCTGTCAATGGAGACTTCCACAGTCAGTGACTCA[T>C]TGCCTTCCTGGAGTCTCACCAGCAGCCTGGGGGAAGGAAGGGGGATAGGGGAAAGTGGTC-3'
Protein context (NP_005410.1, residues 344-364): TRLLVRLQEG[Asn354Ser]ESLTVEVSID

ClinVar aggregate classification (germline): Uncertain significance. Review status: criteria provided, multiple submitters, no conflicts (2 of 4 stars). 2 submissions from 2 submitters: Uncertain significance (2). Last evaluated 2019-12-03.

Conditions:
Primary immunodeficiency with post-measles-mumps-rubella vaccine viral infection. Also called: Immunodeficiency 44. Identifiers: Orphanet 431166, MedGen C4225260, MONDO:0014715, OMIM 616636.

Allele frequency attached by ClinVar (database versions not stated): gnomAD 0.00001; TOPMed 0.00001.
gnomAD v4.1: 2 of 1,613,898 alleles (0.00012%); highest among the groups gnomAD compares: Non-Finnish European, 0.00017%; no homozygotes.

Submissions (2):

Labcorp Genetics (formerly Invitae), Labcorp
Classification: Uncertain significance for Primary immunodeficiency with post-measles-mumps-rubella vaccine viral infection. Last evaluated: 2019-12-03. Review status: criteria provided, single submitter. Criteria: Invitae Variant Classification Sherloc (09022015). Collection method: clinical testing. Allele origin: germline.
Comment: Algorithms developed to predict the effect of sequence changes on RNA splicing suggest that this variant may create or strengthen a splice site, but this prediction has not been confirmed by published transcriptional studies. Algorithms developed to predict the effect of missense changes on protein structure and function output the following: SIFT: "Tolerated"; PolyPhen-2: "Benign"; Align-GVGD: "Class C0". The serine amino acid residue is found in multiple mammalian species, suggesting that this missense change does not adversely affect protein function. These predictions have not been confirmed by published functional studies and their clinical significance is uncertain. This variant has not been reported in the literature in individuals with STAT2-related conditions. This variant is not present in population databases (ExAC no frequency). This sequence change replaces asparagine with serine at codon 354 of the STAT2 protein (p.Asn354Ser). The asparagine residue is moderately conserved and there is a small physicochemical difference between asparagine and serine. In summary, the available evidence is currently insufficient to determine the role of this variant in disease. Therefore, it has been classified as a Variant of Uncertain Significance.

Baylor Genetics
Classification: Uncertain significance for Primary immunodeficiency with post-measles-mumps-rubella vaccine viral infection. Last evaluated: 2018-04-13. Review status: criteria provided, single submitter. Criteria: ACMG Guidelines, 2015. Collection method: clinical testing. Allele origin: maternal. Affected: yes.
Comment: This variant was determined to be of uncertain significance according to ACMG Guidelines, 2015 [PMID:25741868].